The following is an entry in ClinVar:

ClinVar aggregate classification (germline): Pathogenic (1 of 4 stars; one submission).

Conditions:
Angelman syndrome-like. Identifiers: MedGen CN128785.
Developmental and epileptic encephalopathy, 2 (DEE2). Also called: INFANTILE SPASM SYNDROME, X-LINKED 2; CDKL5 deficiency disorder. Identifiers: Orphanet 1934, Orphanet 3451, Orphanet 505652, MedGen C4750718, MONDO:0010396, OMIM 300672.

Submission:

Labcorp Genetics (formerly Invitae), Labcorp
Classification: Pathogenic for Developmental and epileptic encephalopathy, 2; Angelman syndrome-like. Last evaluated: 2021-07-13. Review status: criteria provided, single submitter. Criteria: Invitae Variant Classification Sherloc (09022015). Collection method: clinical testing. Allele origin: germline.
Comment: This variant has not been reported in the literature in individuals with CDKL5-related conditions. This variant is a gross deletion of the genomic region encompassing exon(s) 4-21 of the CDKL5 gene. The 5' boundary is likely confined to intron 3. The 3' end of this event is unknown as it extends through the termination codon beyond the assayed region for this gene and may encompass additional genes. While this deletion is not anticipated to result in nonsense mediated decay, it is expected to create a truncated protein product or disrupt mRNA translation. For these reasons, this variant has been classified as Pathogenic. The region of the CDKL5 gene that includes exon(s) 10 has been determined to be clinically significant (PMID: 22867051). Therefore, deletions that encompass that region are likely to disrupt protein function and cause disease.

Literature cited by the submitters: PubMed 22867051.

NC_000023.10:g.(?_18582587)_(18690188_?)del

Genes: CDKL5 (cyclin dependent kinase like 5; plus strand), RS1 (retinoschisin 1; minus strand). Cytogenetic location: Xp22.13.
Variant type: Deletion.
Identifiers: ClinVar variation 1070858 (VCV001070858.9).